The following is an entry in ClinVar:

NM_005629.4(SLC6A8):c.1250G>A (p.Ser417Asn)

Gene: SLC6A8 (solute carrier family 6 member 8; plus strand). Cytogenetic location: Xq28.
Variant type: single nucleotide variant.
Coding change: c.1250G>A on transcript NM_005629.4 (MANE Select); coding-DNA position 1250, G replaced by A.
Protein change: p.Ser417Asn; replaces serine 417 with asparagine.
Molecular consequence: missense variant.
Genome position (GRCh38, 1-based): chrX:153,694,013, G>A. VCF-style: chrX-153694013-G-A. GRCh37 (hg19) VCF-style: chrX-152959468-G-A.
Other names: c.1220G>A, p.Ser407Asn (NM_001142805.2); c.905G>A, p.Ser302Asn (NM_001142806.1); short protein forms S417N, S407N, S302N.
Identifiers: ClinVar variation 379400 (VCV000379400.2), dbSNP rs1057520594, ClinGen allele CA16608770.
Genomic context (GRCh38, chrX:153,694,013, plus strand): 5'-CAGTGGCCCCACTCTGGGCTGCCCTGTTCTTCTTCATGCTGTTGCTGCTTGGTCTCGACA[G>A]CCAGGTTTGCATGGGGCTCTGGGACAGGGAGCCAGGAGGGGGGCGGAGGGAGGGCTGCAG-3'
Protein context (NP_005620.1, residues 407-427): FFMLLLLGLD[Ser417Asn]QFVGVEGFIT

ClinVar aggregate classification (germline): Likely pathogenic (1 of 4 stars; one submission).

Submission:

GeneDx
Classification: Likely pathogenic. Last evaluated: 2017-02-10. Review status: criteria provided, single submitter. Criteria: GeneDx Variant Classification (06012015). Collection method: clinical testing. Allele origin: germline. Affected: yes.
Comment: The S417N variant has not been published as a pathogenic variant, nor has it been reported as a benign variant to our knowledge. The S417N variant is not observed in large population cohorts (Lek et al., 2016; 1000 Genomes Consortium et al., 2015; Exome Variant Server). This substitution occurs at a position that is conserved across species. In silico analysis predicts this variant is probably damaging to the protein structure/function. However, the S417N variant is a conservative amino acid substitution, which is not likely to impact secondary protein structure as these residues share similar properties. The S417N variant is a strong candidate for a pathogenic variant.